The following is an entry in ClinVar:

NM_133497.4(KCNV2):c.700C>A (p.Arg234Ser)

Gene: KCNV2 (potassium voltage-gated channel modifier subfamily V member 2; plus strand). Cytogenetic location: 9p24.2.
Variant type: single nucleotide variant.
Coding change: c.700C>A on transcript NM_133497.4 (MANE Select); coding-DNA position 700, C replaced by A.
Protein change: p.Arg234Ser; replaces arginine 234 with serine.
Molecular consequence: missense variant.
Genome position (GRCh38, 1-based): chr9:2,718,439, C>A. VCF-style: chr9-2718439-C-A. GRCh37 (hg19) VCF-style: chr9-2718439-C-A.
Other names: short protein forms R234S.
Identifiers: ClinVar variation 1469167 (VCV001469167.5), dbSNP rs769985957, ClinGen allele CA187972689.

ClinVar aggregate classification (germline): Uncertain significance (1 of 4 stars; one submission).

gnomAD v4.1: 8 of 1,606,468 alleles (0.0005%); highest among the groups gnomAD compares: African/African-American, 0.008%; no homozygotes.

Submission:

Labcorp Genetics (formerly Invitae), Labcorp
Classification: Uncertain significance. Last evaluated: 2022-07-26. Review status: criteria provided, single submitter. Criteria: Invitae Variant Classification Sherloc (09022015). Collection method: clinical testing. Allele origin: germline.
Comment: This sequence change replaces arginine, which is basic and polar, with serine, which is neutral and polar, at codon 234 of the KCNV2 protein (p.Arg234Ser). The frequency data for this variant in the population databases is considered unreliable, as metrics indicate poor data quality at this position in the gnomAD database. This variant has not been reported in the literature in individuals affected with KCNV2-related conditions. ClinVar contains an entry for this variant (Variation ID: 1469167). Advanced modeling of protein sequence and biophysical properties (such as structural, functional, and spatial information, amino acid conservation, physicochemical variation, residue mobility, and thermodynamic stability) performed at Invitae indicates that this missense variant is not expected to disrupt KCNV2 protein function. In summary, the available evidence is currently insufficient to determine the role of this variant in disease. Therefore, it has been classified as a Variant of Uncertain Significance.